The following is an entry in ClinVar:

NM_000287.4(PEX6):c.2783G>A (p.Arg928His)

Gene: PEX6 (peroxisomal biogenesis factor 6; minus strand). Cytogenetic location: 6p21.1.
Variant type: single nucleotide variant.
Coding change: c.2783G>A on transcript NM_000287.4 (MANE Select); coding-DNA position 2783, G replaced by A.
Protein change: p.Arg928His; replaces arginine 928 with histidine.
Molecular consequence: missense variant. On other transcripts: non-coding transcript variant (1).
Genome position (GRCh38, 1-based): chr6:42,964,813, C>T on the plus strand (G>A on the coding strand, the complement: PEX6 is on the minus strand). VCF-style: chr6-42964813-C-T. GRCh37 (hg19) VCF-style: chr6-42932551-C-T.
Other names: p.Arg928His; c.2519G>A, p.Arg840His (NM_001316313.2); short protein forms R928H, R840H.
Identifiers: ClinVar variation 498696 (VCV000498696.12), dbSNP rs201265954, ClinGen allele CA3810910.

ClinVar aggregate classification (germline): Uncertain significance. Review status: criteria provided, multiple submitters, no conflicts (2 of 4 stars). 6 submissions from 6 submitters: Uncertain significance (5). 1 of the submissions does not count toward it. Last evaluated 2025-10-02.

Conditions:
Peroxisome biogenesis disorder. Identifiers: Orphanet 79189, MedGen C1832200, MONDO:0019234. Disease mechanism: loss of function.
Zellweger spectrum disorders (ZS). Also called: Zellweger Spectrum Disorder; Zellweger Spectrum; Zellweger syndrome; Zellweger Spectrum Disorder (ZSD). Identifiers: Orphanet 912, MedGen C0043459, MONDO:0019609.
Peroxisome biogenesis disorder 4B (PBD4B). Also called: SPINOCEREBELLAR ATAXIA WITH BLINDNESS AND DEAFNESS 1. Identifiers: Orphanet 44, Orphanet 95433, MedGen C3553937, MONDO:0013931, OMIM 614863.
Peroxisome biogenesis disorder 4A (Zellweger) (PBD4A). Also called: Zellweger syndrome spectrum (PEX6-related). Identifiers: Orphanet 912, MedGen C3553936, MONDO:0013930, OMIM 614862. Disease mechanism: loss of function.
Heimler syndrome 2 (HMLR2). Also called: PEROXISOME BIOGENESIS DISORDER 4C. Identifiers: Orphanet 3220, MedGen C4225267, OMIM 616617, MONDO:0014709.

Allele frequency attached by ClinVar (database versions not stated): ExAC 0.00007; gnomAD exomes 0.00009; gnomAD 0.00010; TOPMed 0.00011; 1000 Genomes Project 30x 0.00047; 1000 Genomes Project 0.00060.
gnomAD v4.1: 76 of 1,614,050 alleles (0.0047%); highest among the groups gnomAD compares: South Asian, 0.024%; no homozygotes.

Submissions (6):

Mayo Clinic Laboratories, Mayo Clinic
Classification: Uncertain significance. Last evaluated: 2025-10-02. Review status: criteria provided, single submitter. Criteria: ACMG Guidelines, 2015. Collection method: clinical testing. Allele origin: germline. Observed: 1 variant allele.
Comment: PP3_moderate

Labcorp Genetics (formerly Invitae), Labcorp
Classification: Uncertain significance for Peroxisome biogenesis disorder. Last evaluated: 2024-11-11. Review status: criteria provided, single submitter. Criteria: Invitae Variant Classification Sherloc (09022015). Collection method: clinical testing. Allele origin: germline.
Comment: This sequence change replaces arginine, which is basic and polar, with histidine, which is basic and polar, at codon 928 of the PEX6 protein (p.Arg928His). This variant is present in population databases (rs201265954, gnomAD 0.03%). This variant has not been reported in the literature in individuals affected with PEX6-related conditions. ClinVar contains an entry for this variant (Variation ID: 498696). Invitae Evidence Modeling of protein sequence and biophysical properties (such as structural, functional, and spatial information, amino acid conservation, physicochemical variation, residue mobility, and thermodynamic stability) has been performed for this missense variant. However, the output from this modeling did not meet the statistical confidence thresholds required to predict the impact of this variant on PEX6 protein function. In summary, the available evidence is currently insufficient to determine the role of this variant in disease. Therefore, it has been classified as a Variant of Uncertain Significance.

Fulgent Genetics
Classification: Uncertain significance for Peroxisome biogenesis disorder 4A (Zellweger); Peroxisome biogenesis disorder 4B; Heimler syndrome 2. Last evaluated: 2021-07-14. Review status: criteria provided, single submitter. Criteria: ACMG Guidelines, 2015. Collection method: clinical testing. Allele origin: unknown.

GeneDx
Classification: Uncertain significance. Last evaluated: 2019-06-04. Review status: criteria provided, single submitter. Criteria: GeneDx Variant Classification Process June 2021. Collection method: clinical testing. Allele origin: germline. Affected: yes.
Comment: In silico analysis, which includes protein predictors and evolutionary conservation, supports a deleterious effect; Has not been previously published as pathogenic or benign to our knowledge

Eurofins Ntd Llc (ga)
Classification: Uncertain significance. Last evaluated: 2017-06-22. Review status: criteria provided, single submitter. Criteria: EGL Classification Definitions 2015. Collection method: clinical testing. Allele origin: germline. Observed: 2 variant alleles, 2 heterozygotes.

Natera, Inc.
Classification: Uncertain significance for Zellweger syndrome. Last evaluated: 2019-10-28. Review status: no assertion criteria provided. Collection method: clinical testing. Allele origin: germline. Not counted in ClinVar's aggregate classification.